The following is an entry in ClinVar:

NM_001324144.2(ZNF41):c.104A>T (p.Asp35Val)

Gene: ZNF41 (zinc finger protein 41; minus strand). Cytogenetic location: Xp11.3.
Variant type: single nucleotide variant.
Coding change: c.104A>T on transcript NM_001324144.2 (MANE Select); coding-DNA position 104, A replaced by T.
Protein change: p.Asp35Val; replaces aspartic acid 35 with valine.
Molecular consequence: missense variant. On other transcripts: 5 prime UTR variant (6).
Genome position (GRCh38, 1-based): chrX:47,456,367, T>A on the plus strand (A>T on the coding strand, the complement: ZNF41 is on the minus strand). VCF-style: chrX-47456367-T-A. GRCh37 (hg19) VCF-style: chrX-47315766-T-A.
Other names: c.-155A>T (NM_001324139.2, NM_001324141.2, NM_001324143.2 and 3 more transcripts); c.104A>T, p.Asp35Val (NM_001324140.2, NM_001324147.2, NM_001324150.2 and 3 more transcripts); c.110A>T, p.Asp37Val (NM_001324142.2, NM_001324148.2, NM_001324156.1); c.134A>T, p.Asp45Val (NM_001324151.2, NM_001324153.2); c.206A>T, p.Asp69Val (NM_001324154.1); c.230A>T, p.Asp77Val (NM_001324155.1); short protein forms D35V, D37V, D45V, D69V, D77V.
Identifiers: ClinVar variation 4866948 (VCV004866948.1).

ClinVar aggregate classification (germline): Uncertain significance (1 of 4 stars; one submission).

Submission:

Ambry Genetics
Classification: Uncertain significance. Last evaluated: 2026-04-27. Review status: criteria provided, single submitter. Criteria: Ambry Variant Classification Scheme 2023. Collection method: clinical testing. Allele origin: germline.
Comment: The c.104A>T (p.D35V) alteration is located in exon 3 (coding exon 2) of the ZNF41 gene. This alteration results from a A to T substitution at nucleotide position 104, causing the aspartic acid (D) at amino acid position 35 to be replaced by a valine (V). Based on data from gnomAD, the T allele has an overall frequency of 0.001% (2/183446) total alleles studied. The highest observed frequency was 0.014% (2/13861) of East Asian alleles. Based on insufficient or conflicting evidence, the clinical significance of this alteration remains unclear.